The following is an entry in ClinVar:

ClinVar aggregate classification (germline): Uncertain significance. Review status: criteria provided, multiple submitters, no conflicts (2 of 4 stars). 5 submissions from 5 submitters: Uncertain significance (5). Last evaluated 2025-11-14.

Conditions:
Loeys-Dietz syndrome 2 (LDS2). Also called: TGFBR2-Related Loeys-Dietz Syndrome; Marfan syndrome, type 2 (formerly); Marfan Syndrome type 2; Marfan like connective tissue disorder; MFS 2; AORTIC ANEURYSM, FAMILIAL THORACIC 3. Identifiers: Orphanet 284973, Orphanet 558, MedGen C2674574, MONDO:0012427, OMIM 610168.

Allele frequency attached by ClinVar (database versions not stated): TOPMed 0.00001; gnomAD 0.00002; gnomAD exomes 0.00002; ExAC 0.00011.
gnomAD v4.1: 24 of 1,527,602 alleles (0.0016%); highest among the groups gnomAD compares: South Asian, 0.0098%; no homozygotes.

Submissions (5):

Women's Health and Genetics/Laboratory Corporation of America, LabCorp
Classification: Uncertain significance. Last evaluated: 2025-11-14. Review status: criteria provided, single submitter. Criteria: LabCorp Variant Classification Summary - May 2015. Collection method: clinical testing. Allele origin: germline.

Labcorp Genetics (formerly Invitae), Labcorp
Classification: Uncertain significance for Loeys-Dietz syndrome 2. Last evaluated: 2025-11-05. Review status: criteria provided, single submitter. Criteria: Invitae Variant Classification Sherloc (09022015). Collection method: clinical testing. Allele origin: germline.
Comment: This sequence change replaces alanine, which is neutral and non-polar, with valine, which is neutral and non-polar, at codon 83 of the TMPO protein (p.Ala83Val). This variant is present in population databases (rs730880228, gnomAD 0.02%). This variant has not been reported in the literature in individuals affected with TMPO-related conditions. ClinVar contains an entry for this variant (Variation ID: 180547). An algorithm developed to predict the effect of missense changes on protein structure and function outputs the following: PolyPhen-2: "Benign". The valine amino acid residue is found in multiple mammalian species, which suggests that this missense change does not adversely affect protein function. In summary, the available evidence is currently insufficient to determine the role of this variant in disease. Therefore, it has been classified as a Variant of Uncertain Significance.

Blueprint Genetics
Classification: Uncertain significance. Last evaluated: 2024-11-19. Review status: criteria provided, single submitter. Criteria: ACMG Guidelines, 2015. Collection method: clinical testing. Allele origin: germline.

GeneDx
Classification: Uncertain significance. Last evaluated: 2024-07-16. Review status: criteria provided, single submitter. Criteria: GeneDx Variant Classification Process June 2021. Collection method: clinical testing. Allele origin: germline. Affected: yes.
Comment: Has not been previously published as pathogenic or benign in association with a TMPO-related disorder to our knowledge; In silico analysis indicates that this missense variant does not alter protein structure/function; This variant is associated with the following publications: (PMID: 30681346)

Ambry Genetics
Classification: Uncertain significance. Last evaluated: 2022-10-11. Review status: criteria provided, single submitter. Criteria: Ambry Variant Classification Scheme 2023. Collection method: clinical testing. Allele origin: germline.
Comment: The p.A83V variant (also known as c.248C>T), located in coding exon 1 of the TMPO gene, results from a C to T substitution at nucleotide position 248. The alanine at codon 83 is replaced by valine, an amino acid with similar properties. This amino acid position is conserved. In addition, this alteration is predicted to be tolerated by in silico analysis. Since supporting evidence is limited at this time, the clinical significance of this alteration remains unclear.

NM_001032283.3(TMPO):c.248C>T (p.Ala83Val)

Genes: TMPO-AS1 (TMPO antisense RNA 1; minus strand), TMPO (thymopoietin; plus strand), LOC130008520 (ATAC-STARR-seq lymphoblastoid silent region 4752; plus strand). Cytogenetic location: 12q23.1.
Variant type: single nucleotide variant.
Coding change: c.248C>T on transcript NM_001032283.3 (MANE Select); coding-DNA position 248, C replaced by T.
Protein change: p.Ala83Val; replaces alanine 83 with valine.
Molecular consequence: missense variant. On other transcripts: non-coding transcript variant (1).
Genome position (GRCh38, 1-based): chr12:98,516,115, C>T. VCF-style: chr12-98516115-C-T. GRCh37 (hg19) VCF-style: chr12-98909893-C-T.
Other names: c.248C>T, p.Ala83Val (NM_001032284.3, NM_001307975.2, NM_003276.2); short protein forms A83V.
Identifiers: ClinVar variation 180547 (VCV000180547.15), dbSNP rs730880228, ClinGen allele CA346707.